The following is an entry in ClinVar:

ClinVar aggregate classification (germline): Pathogenic (1 of 4 stars; one submission).

Conditions:
Glycogen storage disease, type IV (GSD4). Also called: AMYLOPECTINOSIS; ANDERSEN DISEASE; BRANCHER DEFICIENCY; CIRRHOSIS, FAMILIAL, WITH DEPOSITION OF ABNORMAL GLYCOGEN; GBE1 DEFICIENCY; GLYCOGEN BRANCHING ENZYME DEFICIENCY. Identifiers: Orphanet 367, MedGen C0017923, MONDO:0009292, OMIM 232500.

Submission:

Myriad Genetics, Inc.
Classification: Pathogenic for Glycogen storage disease, type IV. Last evaluated: 2024-11-12. Review status: criteria provided, single submitter. Criteria: Myriad Autosomal Dominant, Autosomal Recessive and X-Linked Classification Criteria (2023). Collection method: clinical testing. Allele origin: unknown.
Comment: NM_000158.3(GBE1):c.1701delT(H568Ifs*2) is expected to be pathogenic in the context of glycogen storage disease, GBE1-related. This variant is predicted to lead to an abnormal or absent protein product due to the creation of a premature termination codon in GBE1, a gene where loss-of-function variants are known to be pathogenic. Please note: this variant was assessed in the context of healthy population screening.

NM_000158.4(GBE1):c.1701del (p.His568fs)

Gene: GBE1 (1,4-alpha-glucan branching enzyme 1; minus strand). Cytogenetic location: 3p12.2.
Variant type: Deletion.
Coding change: c.1701del on transcript NM_000158.4 (MANE Select); coding-DNA position 1701, one base deleted (T; older notation c.1701delT).
Protein change: p.His568fs; shifts the reading frame from histidine 568.
Molecular consequence: frameshift variant.
Genome position (GRCh38, 1-based): chr3:81,537,013, A deleted on the plus strand (T on the coding strand, the reverse complement: GBE1 is on the minus strand); the first of 3 consecutive A bases (chr3:81,537,013-81,537,015); deleting any one gives the same sequence. VCF-style (leftmost placement, unchanged base first): chr3-81537012-GA-G. GRCh37 (hg19) VCF-style: chr3-81586163-GA-G.
Other names: short protein forms H568fs.
Identifiers: ClinVar variation 5013742 (VCV005013742.1).